The following is an entry in ClinVar:

ClinVar aggregate classification (germline): Uncertain significance (1 of 4 stars; one submission).

Submission:

Labcorp Genetics (formerly Invitae), Labcorp
Classification: Uncertain significance. Last evaluated: 2023-09-12. Review status: criteria provided, single submitter. Criteria: Invitae Variant Classification Sherloc (09022015). Collection method: clinical testing. Allele origin: germline.
Comment: Advanced modeling of protein sequence and biophysical properties (such as structural, functional, and spatial information, amino acid conservation, physicochemical variation, residue mobility, and thermodynamic stability) performed at Invitae indicates that this missense variant is expected to disrupt ITGB3 protein function. This variant has not been reported in the literature in individuals affected with ITGB3-related conditions. This variant is not present in population databases (gnomAD no frequency). This sequence change replaces glycine, which is neutral and non-polar, with arginine, which is basic and polar, at codon 302 of the ITGB3 protein (p.Gly302Arg). In summary, the available evidence is currently insufficient to determine the role of this variant in disease. Therefore, it has been classified as a Variant of Uncertain Significance.

NM_000212.3(ITGB3):c.904G>C (p.Gly302Arg)

Gene: ITGB3 (integrin subunit beta 3; plus strand). Cytogenetic location: 17q21.32.
Variant type: single nucleotide variant.
Coding change: c.904G>C on transcript NM_000212.3 (MANE Select); coding-DNA position 904, G replaced by C.
Protein change: p.Gly302Arg; replaces glycine 302 with arginine.
Molecular consequence: missense variant.
Genome position (GRCh38, 1-based): chr17:47,287,196, G>C. VCF-style: chr17-47287196-G-C. GRCh37 (hg19) VCF-style: chr17-45364562-G-C.
Other names: short protein forms G302R.
Identifiers: ClinVar variation 2846365 (VCV002846365.3), dbSNP rs1418937174, ClinGen allele CA400025166.